The following is an entry in ClinVar:

ClinVar aggregate classification (germline): Likely benign. Review status: criteria provided, single submitter (1 of 4 stars). 2 submissions from 2 submitters: Likely benign (1). 1 of the submissions does not count toward it. Last evaluated 2022-10-07.

Conditions:
MYO5B-related disorder. Also called: MYO5B-related condition.

Allele frequency attached by ClinVar (database versions not stated): gnomAD exomes below 0.00001; TOPMed 0.00001.
gnomAD v4.1: 1 of 1,614,068 alleles (0.000062%); highest among the groups gnomAD compares: Non-Finnish European, 0.000085%; no homozygotes.

Submissions (2):

Labcorp Genetics (formerly Invitae), Labcorp
Classification: Likely benign. Last evaluated: 2022-10-07. Review status: criteria provided, single submitter. Criteria: Invitae Variant Classification Sherloc (09022015). Collection method: clinical testing. Allele origin: germline.

PreventionGenetics, part of Exact Sciences
Classification: Likely benign for MYO5B-related condition. Last evaluated: 2021-09-22. Review status: no assertion criteria provided. Collection method: clinical testing. Allele origin: germline. Not counted in ClinVar's aggregate classification.
Comment: This variant is classified as likely benign based on ACMG/AMP sequence variant interpretation guidelines (Richards et al. 2015 PMID: 25741868, with internal and published modifications).

NM_001080467.3(MYO5B):c.2538C>T (p.Thr846=)

Gene: MYO5B (myosin VB; minus strand). Cytogenetic location: 18q21.1.
Variant type: single nucleotide variant.
Coding change: c.2538C>T on transcript NM_001080467.3 (MANE Select); coding-DNA position 2538, C replaced by T.
Protein change: p.Thr846=; no amino-acid change (threonine 846 retained).
Molecular consequence: synonymous variant.
Genome position (GRCh38, 1-based): chr18:49,904,705, G>A on the plus strand (C>T on the coding strand, the complement: MYO5B is on the minus strand). VCF-style: chr18-49904705-G-A. GRCh37 (hg19) VCF-style: chr18-47431075-G-A.
Other names: c.2538C>T (NM_001080467.2).
Identifiers: ClinVar variation 1964204 (VCV001964204.7), dbSNP rs1480679297, ClinGen allele CA503851367.
Genomic context (GRCh38, chr18:49,904,705, plus strand): 5'-CCTGAGGCCCTCAGAGTGGCTACTCACCTGGCGGTAGGTTCTCCGCACAAACATGGCCCG[G>A]GTGAAGGCCTGGATAACAACGGCAGCTCTGCGGACCCTCTGGTAGGCCTGGCGGGCCCTC-3'
Protein context (NP_001073936.1, residues 836-856): RRAAVVIQAF[Thr846=]RAMFVRRTYR